The following is an entry in ClinVar:

NM_000111.3(SLC26A3):c.548C>T (p.Thr183Ile)

Gene: SLC26A3 (solute carrier family 26 member 3; minus strand). Cytogenetic location: 7q22.3.
Variant type: single nucleotide variant.
Coding change: c.548C>T on transcript NM_000111.3 (MANE Select); coding-DNA position 548, C replaced by T.
Protein change: p.Thr183Ile; replaces threonine 183 with isoleucine.
Molecular consequence: missense variant.
Genome position (GRCh38, 1-based): chr7:107,791,070, G>A on the plus strand (C>T on the coding strand, the complement: SLC26A3 is on the minus strand). VCF-style: chr7-107791070-G-A. GRCh37 (hg19) VCF-style: chr7-107431515-G-A.
Other names: c.548C>T (NM_000111.2); short protein forms T183I.
Identifiers: ClinVar variation 1472387 (VCV001472387.8), dbSNP rs2115873495, ClinGen allele CA368853469.

ClinVar aggregate classification (germline): Uncertain significance. Review status: criteria provided, multiple submitters, no conflicts (2 of 4 stars). 3 submissions from 3 submitters: Uncertain significance (2). 1 of the submissions does not count toward it. Last evaluated 2025-10-15.

Conditions:
SLC26A3-related disorder. Also called: SLC26A3-related condition.
Congenital secretory diarrhea, chloride type (DIAR1). Also called: CHLORIDE DIARRHEA, CONGENITAL, FINNISH TYPE; DIARRHEA 1, SECRETORY CHLORIDE, CONGENITAL; CHLORIDORRHEA, CONGENITAL. Identifiers: Orphanet 53689, MedGen C0267662, MONDO:0008964, OMIM 214700.

gnomAD v4.1: 2 of 1,614,048 alleles (0.00012%); no homozygotes.

Submissions (3):

3billion
Classification: Uncertain significance for Congenital secretory diarrhea, chloride type. Last evaluated: 2025-10-15. Review status: criteria provided, single submitter. Criteria: ACMG Guidelines, 2015. Collection method: clinical testing. Allele origin: germline. Affected: yes.
Comment: The variant is observed at an extremely low frequency in the gnomAD v4.1.0 dataset (total allele frequency: <0.001%). Predicted Consequence/Location: Missense variant. The majority of the known disease-causing variants of this gene are variants expected to result in premature termination of the protein. In silico tool predictions suggest damaging effect of the variant on gene or gene product [REVEL: 0.72 (>=0.6, sensitivity 0.68 and specificity 0.92)]. The variant has been reported as of uncertain significance (ClinVar ID: VCV001472387). Therefore, this variant is classified as VUS according to the recommendation of ACMG/AMP guideline.

Labcorp Genetics (formerly Invitae), Labcorp
Classification: Uncertain significance. Last evaluated: 2021-09-01. Review status: criteria provided, single submitter. Criteria: Invitae Variant Classification Sherloc (09022015). Collection method: clinical testing. Allele origin: germline.
Comment: This sequence change replaces threonine with isoleucine at codon 183 of the SLC26A3 protein (p.Thr183Ile). The threonine residue is moderately conserved and there is a moderate physicochemical difference between threonine and isoleucine. This variant is not present in population databases (ExAC no frequency). This variant has not been reported in the literature in individuals affected with SLC26A3-related conditions. Algorithms developed to predict the effect of missense changes on protein structure and function are either unavailable or do not agree on the potential impact of this missense change (SIFT: "Deleterious"; PolyPhen-2: "Possibly Damaging"; Align-GVGD: "Class C0"). In summary, the available evidence is currently insufficient to determine the role of this variant in disease. Therefore, it has been classified as a Variant of Uncertain Significance.

PreventionGenetics, part of Exact Sciences
Classification: Uncertain significance for SLC26A3-related condition. Last evaluated: 2023-12-14. Review status: no assertion criteria provided. Collection method: clinical testing. Allele origin: germline. Not counted in ClinVar's aggregate classification.
Comment: The SLC26A3 c.548C>T variant is predicted to result in the amino acid substitution p.Thr183Ile. To our knowledge, this variant has not been reported in the literature or in a large population database, indicating this variant is rare. At this time, the clinical significance of this variant is uncertain due to the absence of conclusive functional and genetic evidence.